The following is an entry in ClinVar:

ClinVar aggregate classification (germline): Uncertain significance (1 of 4 stars; one submission).

Conditions:
DNAJC13-related disorder. Also called: DNAJC13-related condition.

gnomAD v4.1: 4 of 1,611,108 alleles (0.00025%); highest among the groups gnomAD compares: East Asian, 0.0022%; no homozygotes.

Submission:

PreventionGenetics, part of Exact Sciences
Classification: Uncertain significance for DNAJC13-related condition. Last evaluated: 2024-10-31. Review status: criteria provided, single submitter. Criteria: ACMG Guidelines, 2015. Collection method: clinical testing. Allele origin: germline.
Comment: The DNAJC13 c.3845C>A variant is predicted to result in the amino acid substitution p.Thr1282Asn. To our knowledge, this variant has not been reported in the literature. This variant is reported in 0.0055% of alleles in individuals of East Asian descent in gnomAD. At this time, the clinical significance of this variant is uncertain due to the absence of conclusive functional and genetic evidence.

NM_015268.4(DNAJC13):c.3845C>A (p.Thr1282Asn)

Gene: DNAJC13 (DnaJ heat shock protein family (Hsp40) member C13; plus strand). Cytogenetic location: 3q22.1.
Variant type: single nucleotide variant.
Coding change: c.3845C>A on transcript NM_015268.4 (MANE Select); coding-DNA position 3845, C replaced by A.
Protein change: p.Thr1282Asn; replaces threonine 1282 with asparagine.
Molecular consequence: missense variant.
Genome position (GRCh38, 1-based): chr3:132,494,163, C>A. VCF-style: chr3-132494163-C-A. GRCh37 (hg19) VCF-style: chr3-132213007-C-A.
Other names: c.3860C>A, p.Thr1287Asn (NM_001329126.2); short protein forms T1282N, T1287N.
Identifiers: ClinVar variation 4977661 (VCV004977661.1).